The following is an entry in ClinVar:

NM_014000.3(VCL):c.1108G>C (p.Ala370Pro)

Gene: VCL (vinculin; plus strand). Cytogenetic location: 10q22.2.
Variant type: single nucleotide variant.
Coding change: c.1108G>C on transcript NM_014000.3 (MANE Select); coding-DNA position 1108, G replaced by C.
Protein change: p.Ala370Pro; replaces alanine 370 with proline.
Molecular consequence: missense variant.
Genome position (GRCh38, 1-based): chr10:74,089,281, G>C. VCF-style: chr10-74089281-G-C. GRCh37 (hg19) VCF-style: chr10-75849039-G-C.
Other names: c.1108G>C, p.Ala370Pro (NM_003373.4); short protein forms A370P.
Identifiers: ClinVar variation 1794350 (VCV001794350.2), dbSNP rs1185674557, ClinGen allele CA377272632.

ClinVar aggregate classification (germline): Uncertain significance (1 of 4 stars; one submission).

Conditions:
Cardiovascular phenotype. Identifiers: MedGen CN230736.

Allele frequency attached by ClinVar (database versions not stated): TOPMed below 0.00001; gnomAD 0.00001; gnomAD exomes 0.00001.
gnomAD v4.1: 4 of 1,614,066 alleles (0.00025%); highest among the groups gnomAD compares: East Asian, 0.0089%; no homozygotes.

Submission:

Ambry Genetics
Classification: Uncertain significance for Cardiovascular phenotype. Last evaluated: 2021-06-21. Review status: criteria provided, single submitter. Criteria: Ambry Variant Classification Scheme 2023. Collection method: clinical testing. Allele origin: germline.
Comment: The p.A370P variant (also known as c.1108G>C), located in coding exon 9 of the VCL gene, results from a G to C substitution at nucleotide position 1108. The alanine at codon 370 is replaced by proline, an amino acid with highly similar properties. This amino acid position is highly conserved in available vertebrate species. In addition, this alteration is predicted to be deleterious by in silico analysis. Since supporting evidence is limited at this time, the clinical significance of this alteration remains unclear.